The following is an entry in ClinVar:

ClinVar aggregate classification (germline): Conflicting classifications of pathogenicity. Review status: criteria provided, conflicting classifications (1 of 4 stars). 2 submissions from 2 submitters: Likely pathogenic (1); Uncertain significance (1). Last evaluated 2024-12-17.

Conditions:
Tuberous sclerosis 1 (TSC1). Identifiers: Orphanet 805, MedGen C1854465, MONDO:0008612, OMIM 191100.

Submissions (2):

Genomic Medicine Center of Excellence, King Faisal Specialist Hospital and Research Centre
Classification: Likely pathogenic for Tuberous sclerosis 1. Last evaluated: 2024-12-17. Review status: criteria provided, single submitter. Criteria: ACMG Guidelines, 2015. Collection method: clinical testing. Allele origin: germline.

Mayo Clinic Laboratories, Mayo Clinic
Classification: Uncertain significance. Last evaluated: 2023-12-19. Review status: criteria provided, single submitter. Criteria: ACMG Guidelines, 2015. Collection method: clinical testing. Allele origin: germline. Observed: 1 variant allele.
Comment: PM2_moderate, PM4

NM_000368.5(TSC1):c.385_399dup (p.Leu134_Val135insThrThrGlyValLeu)

Gene: TSC1 (TSC complex subunit 1; minus strand). Cytogenetic location: 9q34.13.
Variant type: Duplication.
Coding change: c.385_399dup on transcript NM_000368.5 (MANE Select); coding-DNA positions 385 to 399, 15 bases duplicated (CTCACAACAGGCGTC).
Protein change: p.Leu134_Val135insThrThrGlyValLeu.
Molecular consequence: 5 prime UTR variant (on NM_001406626.1). On other transcripts: non-coding transcript variant (5).
Genome position (GRCh38, 1-based): chr9:132,923,457-132,923,471, GACGCCTGTTGTGAG duplicated on the plus strand (CTCACAACAGGCGTC on the coding strand, the reverse complement: TSC1 is on the minus strand); duplicating any 15 consecutive bases within chr9:132,923,457-132,923,474 gives the same sequence; the c. name uses the placement nearest the transcript's 3' end. VCF-style (leftmost placement, unchanged base first): chr9-132923456-A-AGACGCCTGTTGTGAG. GRCh37 (hg19) VCF-style: chr9-135798843-A-AGACGCCTGTTGTGAG.
Other names: p.Thr130_Leu134dup; c.385_399dup, p.Leu134_Val135insThrThrGlyValLeu (NM_001162426.2, NM_001406592.1, NM_001406593.1 and 16 more transcripts); c.232_246dup, p.Leu83_Val84insThrThrGlyValLeu (NM_001162427.2, NM_001406610.1, NM_001406611.1 and 2 more transcripts); c.22_36dup, p.Leu13_Val14insThrThrGlyValLeu (NM_001362177.2, NM_001406614.1, NM_001406615.1 and 10 more transcripts); c.-493_-479dup (NM_001406626.1, NM_001406627.1, NM_001406628.1); c.-635_-621dup (NM_001406629.1); c.-709_-695dup (NM_001406630.1).
Identifiers: ClinVar variation 3379917 (VCV003379917.2).